The following is an entry in ClinVar:

ClinVar aggregate classification (germline): Conflicting classifications of pathogenicity. Review status: criteria provided, conflicting classifications (1 of 4 stars). 12 submissions from 11 submitters: Uncertain significance (10); Benign (1). 1 of the submissions does not count toward it. Last evaluated 2026-01-04.

Conditions:
Hereditary cancer-predisposing syndrome. Also called: Tumor predisposition; Hereditary Cancer Syndrome; Neoplastic Syndromes, Hereditary; Hereditary neoplastic syndrome. Identifiers: Orphanet 140162, MedGen C0027672, MeSH D009386, MONDO:0015356.
Cardiovascular phenotype. Identifiers: MedGen CN230736.
Juvenile myelomonocytic leukemia (JMML). Also called: LEUKEMIA, JUVENILE MYELOMONOCYTIC, SOMATIC. Identifiers: Orphanet 86834, MedGen C0349639, MONDO:0011908, OMIM 607785, HP:0012209.
Neurofibromatosis-Noonan syndrome (NFNS). Also called: NEUROFIBROMATOSIS WITH NOONAN PHENOTYPE. Identifiers: Orphanet 638, MedGen C2931482, MONDO:0011035, OMIM 601321. Disease mechanism: loss of function.
Café-au-lait macules with pulmonary stenosis (WTSN). Also called: PULMONIC STENOSIS WITH CAFE-AU-LAIT SPOTS. Identifiers: MedGen C0553586, MONDO:0008672, OMIM 193520.
Neurofibromatosis, type 1 (NF1). Also called: Peripheral type neurofibromatosis; VON RECKLINGHAUSEN DISEASE; NEUROFIBROMATOSIS, TYPE I, SOMATIC; Neurofibromatosis, type I. Identifiers: Orphanet 636, MedGen C0027831, MONDO:0018975, OMIM 162200. Disease mechanism: loss of function.
Neurofibromatosis, familial spinal (FSNF). Identifiers: Orphanet 636, MedGen C1834235, MONDO:0008078, OMIM 162210. Disease mechanism: loss of function.

Allele frequency attached by ClinVar (database versions not stated): gnomAD 0.00001; gnomAD exomes 0.00001 and 0.00003; TOPMed 0.00001.
gnomAD v4.1: 49 of 1,613,908 alleles (0.003%); highest among the groups gnomAD compares: Non-Finnish European, 0.0042%; no homozygotes.

Submissions (12):

Labcorp Genetics (formerly Invitae), Labcorp
Classification: Benign for Neurofibromatosis, type 1. Last evaluated: 2026-01-04. Review status: criteria provided, single submitter. Criteria: Invitae Variant Classification Sherloc (09022015). Collection method: clinical testing. Allele origin: germline.

Quest Diagnostics Nichols Institute San Juan Capistrano
Classification: Uncertain significance. Last evaluated: 2024-11-27. Review status: criteria provided, single submitter. Criteria: Quest Diagnostics criteria. Collection method: clinical testing. Allele origin: unknown.

Baylor Genetics
Classification: Uncertain significance for Juvenile myelomonocytic leukemia. Last evaluated: 2023-10-17. Review status: criteria provided, single submitter. Criteria: ACMG Guidelines, 2015. Collection method: clinical testing. Allele origin: unknown.

Molecular Genetics, Royal Melbourne Hospital
Classification: Uncertain significance for Neurofibromatosis, type 1. Last evaluated: 2023-07-07. Review status: criteria provided, single submitter. Criteria: ACMG Guidelines, 2015. Collection method: clinical testing. Allele origin: germline. Inheritance: Autosomal dominant inheritance.
Comment: This sequence change in NF1 is predicted to replace threonine with alanine at codon 2631, p.(Thr2631Ala). The threonine residue is highly conserved (92/95 vertebrates, UCSC), and is not located in an annotated domain. There is a small physicochemical difference between threonine and alanine. The highest population minor allele frequency in the population database gnomAD v2.1 is 0.002% (2/113,630 alleles) in the European (non-Finnish) population. This variant has been reported in at least one proband with sporadic neurofibromatosis type 1 and an individual with pheochromocytoma explained by a pathogenic variant in RET (PMID: 8544190, 24694336). The prevalence of the variant in individuals with breast cancer is not significantly increased compared with the prevalence in controls (PMID: 33471991). Computational evidence predicts a benign effect for the missense substitution (REVEL = 0.279). Based on the classification scheme RMH Modified ACMG/AMP Guidelines v1.6.1, this variant is classified as a VARIANT OF UNCERTAIN SIGNIFICANCE. Following criteria are met: BP4.

Revvity Omics, Revvity
Classification: Uncertain significance. Last evaluated: 2022-08-26. Review status: criteria provided, single submitter. Criteria: ACMG Guidelines, 2015. Collection method: clinical testing. Allele origin: germline.

Medical Genetics, University of Parma
Classification: Uncertain significance for Neurofibromatosis, type 1. Last evaluated: 2022-08-17. Review status: criteria provided, single submitter. Criteria: ACMG Guidelines, 2015. Collection method: clinical testing. Allele origin: germline. Inheritance: Autosomal dominant inheritance. Affected: yes.

GeneDx
Classification: Uncertain significance. Last evaluated: 2022-08-03. Review status: criteria provided, single submitter. Criteria: GeneDx Variant Classification Process June 2021. Collection method: clinical testing. Allele origin: germline. Affected: yes.
Comment: In silico analysis supports that this missense variant has a deleterious effect on protein structure/function; Identified in a patient with cutaneous features of neurofibromatosis type 1 (Upadhyaya et al., 1995); This variant is associated with the following publications: (PMID: 24694336, 34426522, 25486365, 8544190)

Genome-Nilou Lab
Classification: Uncertain significance for Neurofibromatosis, type 1. Last evaluated: 2022-03-15. Review status: criteria provided, single submitter. Criteria: ACMG Guidelines, 2015. Collection method: clinical testing. Allele origin: germline. Affected: no.

Fulgent Genetics
Classification: Uncertain significance for Neurofibromatosis, type 1; Neurofibromatosis, familial spinal; Café-au-lait macules with pulmonary stenosis; Neurofibromatosis-Noonan syndrome; Juvenile myelomonocytic leukemia. Last evaluated: 2021-11-19. Review status: criteria provided, single submitter. Criteria: ACMG Guidelines, 2015. Collection method: clinical testing. Allele origin: unknown.

Ambry Genetics
Classification: Uncertain significance for Cardiovascular phenotype; Hereditary cancer-predisposing syndrome. Last evaluated: 2021-01-15. Review status: criteria provided, single submitter. Criteria: Ambry Variant Classification Scheme 2023. Collection method: clinical testing. Allele origin: germline.

Ambry Genetics
Classification: Uncertain significance for Hereditary cancer-predisposing syndrome. Last evaluated: 2015-02-04. Review status: criteria provided, single submitter. Criteria: Ambry Autosomal Dominant and X-Linked criteria (10/2015). Collection method: clinical testing. Allele origin: germline. Observed: 1 variant allele.
Comment: The p.T2631A variant (also known as c.7891A>G or p.T2610A or c.7828A>G), located in coding exon 54 of the NF1 gene, results from an A to G substitution at nucleotide position 7891. The threonine at codon 2631 is replaced by alanine, an amino acid with similar properties. This alteration has beendetected in an individual with a clinical diagnosis of neurofibromatosis type 1 (NF1) (Upadhyaya M,J. Med. Genet. 1995 Sep; 32(9):706-10).This variant was previously reported in the SNPDatabase as rs199474793. This variant was not reported in population-based cohorts in the following databases:NHLBI Exome Sequencing Project (ESP) and 1000 Genomes Project.To date, this alteration has been detected with an allele frequency of approximately 0.003% (greater than 30000alleles tested) in our clinical cohort.This amino acid position is well conserved in available vertebrate species. In addition, the in silico prediction for this alteration is inconclusive.Since supporting evidence is limited at this time, the clinical significance of p.T2631Aremains unclear.

UniProtKB/Swiss-Prot
No classification provided. Review status: no classification provided. Collection method: not provided. Allele origin: not provided. Not counted in ClinVar's aggregate classification.

Literature cited by the submitters: PubMed 37751797 (cited by Quest Diagnostics Nichols Institute San Juan Capistrano); PubMed 24694336 (cited by Quest Diagnostics Nichols Institute San Juan Capistrano and Molecular Genetics, Royal Melbourne Hospital); PubMed 8544190 (cited by 3 submitters); PubMed 33471991 (cited by Quest Diagnostics Nichols Institute San Juan Capistrano and Molecular Genetics, Royal Melbourne Hospital).

NM_001042492.3(NF1):c.7891A>G (p.Thr2631Ala)

Gene: NF1 (neurofibromin 1; plus strand). Cytogenetic location: 17q11.2.
Variant type: single nucleotide variant.
Coding change: c.7891A>G on transcript NM_001042492.3 (MANE Select); coding-DNA position 7891, A replaced by G.
Protein change: p.Thr2631Ala; replaces threonine 2631 with alanine.
Molecular consequence: missense variant.
Genome position (GRCh38, 1-based): chr17:31,357,290, A>G. VCF-style: chr17-31357290-A-G. GRCh37 (hg19) VCF-style: chr17-29684308-A-G.
Other names: c.7828A>G, p.Thr2610Ala (NM_000267.4); short protein forms T2610A, T2631A.
Identifiers: ClinVar variation 68363 (VCV000068363.24), dbSNP rs199474793, ClinGen allele CA219639.
Genomic context (GRCh38, chr17:31,357,290, plus strand): 5'-GTAAAAATGTTGTGTGTTTACTTTTTTGCATCTTGGCAGGCTACACTGGTAAAATATACC[A>G]CAGATGAGTTTGATCAACGAATTCTTTATGAATACTTAGCAGAGGCCAGTGTTGTGTTTC-3'
Protein context (NP_001035957.1, residues 2621-2641): TVLATLVKYT[Thr2631Ala]DEFDQRILYE